The following is an entry in ClinVar:

ClinVar aggregate classification (germline): Benign/Likely benign. Review status: criteria provided, multiple submitters, no conflicts (2 of 4 stars). 4 submissions from 4 submitters: Benign (2); Likely benign (1). 1 of the submissions does not count toward it. Last evaluated 2022-05-11.

Conditions:
ASXL3-related disorder. Also called: ASXL3-related condition. Identifiers: MedGen CN381524.
Bainbridge-Ropers syndrome. Also called: Severe feeding difficulties-failure to thrive-microcephaly due to ASXL3 deficiency syndrome. Identifiers: Orphanet 352577, MedGen C4750837, MONDO:0014205, OMIM 615485.

Allele frequency attached by ClinVar (database versions not stated): gnomAD 0.00536 and 0.00499; ESP Exome Variant Server 0.00554; gnomAD exomes 0.00131; 1000 Genomes Project 30x 0.00453; TOPMed 0.00584; 1000 Genomes Project 0.00439; ExAC 0.00154.
gnomAD v4.1: 1,574 of 1,613,856 alleles (0.098%); highest among the groups gnomAD compares: African/African-American, 1.8%; 11 homozygotes.

Submissions (4):

Fulgent Genetics
Classification: Likely benign for Bainbridge-Ropers syndrome. Last evaluated: 2022-05-11. Review status: criteria provided, single submitter. Criteria: ACMG Guidelines, 2015. Collection method: clinical testing. Allele origin: unknown.

GeneDx
Classification: Benign. Last evaluated: 2020-01-30. Review status: criteria provided, single submitter. Criteria: GeneDx Variant Classification Process June 2021. Collection method: clinical testing. Allele origin: germline. Affected: yes.

Breakthrough Genomics
Classification: Benign. Review status: criteria provided, single submitter. Criteria: ACMG Guidelines, 2015. Collection method: not provided. Allele origin: germline. Inheritance: Autosomal dominant inheritance. Affected: yes.

PreventionGenetics, part of Exact Sciences
Classification: Benign for ASXL3-related condition. Last evaluated: 2021-08-24. Review status: no assertion criteria provided. Collection method: clinical testing. Allele origin: germline. Not counted in ClinVar's aggregate classification.
Comment: This variant is classified as benign based on ACMG/AMP sequence variant interpretation guidelines (Richards et al. 2015 PMID: 25741868, with internal and published modifications).

NM_030632.3(ASXL3):c.1995A>G (p.Arg665=)

Gene: ASXL3 (ASXL transcriptional regulator 3; plus strand). Cytogenetic location: 18q12.1.
Variant type: single nucleotide variant.
Coding change: c.1995A>G on transcript NM_030632.3 (MANE Select); coding-DNA position 1995, A replaced by G.
Protein change: p.Arg665=; no amino-acid change (arginine 665 retained).
Molecular consequence: synonymous variant.
Genome position (GRCh38, 1-based): chr18:33,739,399, A>G. VCF-style: chr18-33739399-A-G. GRCh37 (hg19) VCF-style: chr18-31319363-A-G.
Other names: c.1995A>G (NM_030632.2).
Identifiers: ClinVar variation 1236928 (VCV001236928.7), dbSNP rs143855418, ClinGen allele CA8933851.